The following is an entry in ClinVar:

NM_000104.4(CYP1B1):c.1454C>T (p.Ser485Phe)

Gene: CYP1B1 (cytochrome P450 family 1 subfamily B member 1; minus strand). Cytogenetic location: 2p22.2.
Variant type: single nucleotide variant.
Coding change: c.1454C>T on transcript NM_000104.4 (MANE Select); coding-DNA position 1454, C replaced by T.
Protein change: p.Ser485Phe; replaces serine 485 with phenylalanine.
Molecular consequence: missense variant.
Genome position (GRCh38, 1-based): chr2:38,070,900, G>A on the plus strand (C>T on the coding strand, the complement: CYP1B1 is on the minus strand). VCF-style: chr2-38070900-G-A. GRCh37 (hg19) VCF-style: chr2-38298043-G-A.
Other names: NM_000104.4:c.1454C>T; short protein forms S485F.
Identifiers: ClinVar variation 4530671 (VCV004530671.1).

ClinVar aggregate classification (germline): Pathogenic (3 of 4 stars; one submission).

Conditions:
CYP1B1-related glaucoma with or without anterior segment dysgenesis. Identifiers: MedGen CN375931, MONDO:0800472.

Submission:

ClinGen Glaucoma Variant Curation Expert Panel
Classification: Pathogenic for CYP1B1-related glaucoma with or without anterior segment dysgenesis. Last evaluated: 2025-11-19. Review status: reviewed by expert panel. Criteria: ClinGen CYP1B1 ACMG Specifications V1 Approved. Collection method: curation. Allele origin: germline. Inheritance: Autosomal recessive inheritance.
Comment: The c.1454C>T variant in CYP1B1 is a missense variant predicted to cause substitution of Serine by Phenylalanine at amino acid 485 (p.Ser485Phe). This missense variant is located in the L-helix including the haem-binding domain, meeting PM1. This variant was not found in any genetic ancestry group of gnomAD (v4.1.0), meeting the ≤ 0.0005 threshold set for PM2_Supporting in a genetic ancestry group of at least 2,000 alleles. The REVEL score = 0.873, which was within the 0.773-0.931 range for PP3_Moderate, predicting a damaging effect on CYP1B1 function. PS3_Supporting was not applied, as although the OddsPath threshold was met (> 2.1), the threshold for abnormal impact on protein function in the assays could not be determined (PMID: 27060699). 2 affected segregations with a CYP1B1-related phenotype have been reported (PMID: 24001018), which fulfilled PP1_Moderate. This variant has been identified in 5 individuals with a CYP1B1-related phenotype. 1 of these individuals is compound heterozygous for the variant and a pathogenic or likely pathogenic variant (confirmed in trans) and 4 are homozygous (assumed consanguineous) (PMIDs: 23218183, 21306220, 24001018). Total proband points = 2 meeting PM3_Strong. In summary, this variant met the criteria to receive a score of 11 and to be classified as pathogenic (pathogenic classification ≥ 10, adapted from PMID: 32720330) for CYP1B1-related glaucoma with or without anterior segment dysgenesis (ASD) based on the ACMG/AMP criteria met, as specified by the ClinGen Glaucoma VCEP (v1.0, 06.11.2025): PM3_Strong, PM1, PP1_Moderate, PP3_Moderate, PM2_Supporting